The following is an entry in ClinVar:

NM_006206.6(PDGFRA):c.1071T>G (p.Ile357Met)

Gene: PDGFRA (platelet derived growth factor receptor alpha; plus strand). Cytogenetic location: 4q12.
Variant type: single nucleotide variant.
Coding change: c.1071T>G on transcript NM_006206.6 (MANE Select); coding-DNA position 1071, T replaced by G.
Protein change: p.Ile357Met; replaces isoleucine 357 with methionine.
Molecular consequence: missense variant.
Genome position (GRCh38, 1-based): chr4:54,267,691, T>G. VCF-style: chr4-54267691-T-G. GRCh37 (hg19) VCF-style: chr4-55133858-T-G.
Other names: c.1071T>G, p.Ile357Met (NM_001347827.2, NM_001347829.2); c.1146T>G, p.Ile382Met (NM_001347828.2); c.1110T>G, p.Ile370Met (NM_001347830.2); short protein forms I370M, I382M, I357M.
Identifiers: ClinVar variation 1783742 (VCV001783742.3), dbSNP rs1404086867, ClinGen allele CA356891732.

ClinVar aggregate classification (germline): Uncertain significance (1 of 4 stars; one submission).

Conditions:
Hereditary cancer-predisposing syndrome. Also called: Neoplastic Syndromes, Hereditary; Tumor predisposition; Hereditary Cancer Syndrome; Hereditary neoplastic syndrome. Identifiers: Orphanet 140162, MedGen C0027672, MeSH D009386, MONDO:0015356.

Submission:

Ambry Genetics
Classification: Uncertain significance for Hereditary cancer-predisposing syndrome. Last evaluated: 2025-09-28. Review status: criteria provided, single submitter. Criteria: Ambry Variant Classification Scheme 2023. Collection method: clinical testing. Allele origin: germline.
Comment: The p.I357M variant (also known as c.1071T>G), located in coding exon 6 of the PDGFRA gene, results from a T to G substitution at nucleotide position 1071. The isoleucine at codon 357 is replaced by methionine, an amino acid with highly similar properties. This amino acid position is conserved. In addition, this alteration is predicted to be tolerated by in silico analysis. Since supporting evidence is limited at this time, the clinical significance of this alteration remains unclear.